The following is an entry in ClinVar:

NM_175914.5(HNF4A):c.179G>A (p.Gly60Asp)

Gene: HNF4A (hepatocyte nuclear factor 4 alpha; plus strand). Cytogenetic location: 20q13.12.
Variant type: single nucleotide variant.
Coding change: c.179G>A on transcript NM_175914.5 (MANE Select); coding-DNA position 179, G replaced by A.
Protein change: p.Gly60Asp; replaces glycine 60 with aspartic acid.
Molecular consequence: missense variant.
Genome position (GRCh38, 1-based): chr20:44,406,187, G>A. VCF-style: chr20-44406187-G-A. GRCh37 (hg19) VCF-style: chr20-43034827-G-A.
Other names: c.245G>A, p.Gly82Asp (NM_000457.6, NM_178849.3, NM_178850.3); c.179G>A, p.Gly60Asp (NM_001030003.3, NM_001030004.3); c.224G>A, p.Gly75Asp (NM_001258355.2); c.170G>A, p.Gly57Asp (NM_001287182.2, NM_001287183.2, NM_001287184.2); short protein forms G57D, G60D, G75D, G82D.
Identifiers: ClinVar variation 3377295 (VCV003377295.1).

ClinVar aggregate classification (germline): Likely pathogenic (1 of 4 stars; one submission).

Conditions:
Maturity-onset diabetes of the young type 1. Also called: MILD JUVENILE DIABETES MELLITUS; MODY type 1; Diabetes mellitus MODY type 1; MODY HNF4A related; HNF4A-Related Maturity-Onset Diabetes of the Young Type 1; MODY, type I. Identifiers: Orphanet 552, MedGen C1852093, MONDO:0007452, OMIM 125850. Disease mechanism: loss of function.

Submission:

Victorian Clinical Genetics Services, Murdoch Childrens Research Institute
Classification: Likely pathogenic for Maturity-onset diabetes of the young type 1. Last evaluated: 2024-10-10. Review status: criteria provided, single submitter. Criteria: ACMG Guidelines, 2015. Collection method: clinical testing. Allele origin: germline. Inheritance: Autosomal dominant inheritance. Affected: yes.
Comment: Based on the classification scheme VCGS_Germline_v1.3.5, this variant is classified as Likely pathogenic. Following criteria are met: 0103 - Loss of function and dominant negative are known mechanisms of disease in this gene. Loss of function through a reduction of DNA binding is associated with MODY, type I (MIM#125850) and diabetes mellitus, noninsulin-dependent (MIM#125853) (OMIM; PMID: 31875549). Dominant negative is associated with Fanconi renotubular syndrome 4, with maturity-onset diabetes of the young (MIM#616026) (PMID: 31875549). (I) 0107 - This gene is associated with autosomal dominant disease. (I) 0112 - The condition associated with this gene has incomplete penetrance (PMID: 36257325). (I) 0200 - Variant is predicted to result in a missense amino acid change from glycine to aspartic acid. (I) 0251 - This variant is heterozygous. (I) 0301 - Variant is absent from gnomAD (v2, v3 and v4). (SP) 0501 - Missense variant consistently predicted to be damaging by multiple in silico tools or highly conserved with a major amino acid change. (SP) 0603 - Missense variant in a region that is highly intolerant to missense variation (high constraint region in DECIPHER). (SP) 0703 - Another missense variant comparable to the one identified in this case has moderate previous evidence for pathogenicity. (SP) 0809 - Previous evidence of pathogenicity for this variant is inconclusive. This variant has been observed at a frequency of 1.3% in a large cohort of individuals which includes healthy individuals and individuals with liver disease. However, it is not clear if the individuals identified with this variant are affected individuals or healthy controls (PMID: 18666237). (I) 0905 - No published segregation evidence has been identified for this variant. (I) 1002 - This variant has moderate functional evidence supporting abnormal protein function. 293F cells transfected with this variant rendered HNF4A transcriptionally inactive and results in a loss of DNA-binding activity (PMID: 18666237). (SP) Legend: (SP) - Supporting pathogenic, (I) - Information, (SB) - Supporting benign

Literature cited by the submitters: PubMed 18666237; PubMed 31875549; PubMed 35089870; PubMed 36257325.